The following is an entry in ClinVar:

NM_020822.3(KCNT1):c.3048C>T (p.Asp1016=)

Gene: KCNT1 (potassium sodium-activated channel subfamily T member 1; plus strand). Cytogenetic location: 9q34.3.
Variant type: single nucleotide variant.
Coding change: c.3048C>T on transcript NM_020822.3 (MANE Select); coding-DNA position 3048, C replaced by T.
Protein change: p.Asp1016=; no amino-acid change (aspartic acid 1016 retained).
Molecular consequence: synonymous variant.
Genome position (GRCh38, 1-based): chr9:135,784,781, C>T. VCF-style: chr9-135784781-C-T. GRCh37 (hg19) VCF-style: chr9-138676627-C-T.
Other names: c.2913C>T, p.Asp971= (NM_001272003.2).
Identifiers: ClinVar variation 384885 (VCV000384885.11), dbSNP rs748942066, ClinGen allele CA5327597.
Genomic context (GRCh38, chr9:135,784,781, plus strand): 5'-TGCCACCTGCCCCAGCCAACTCAGGGTTCCCACCCTGCAGATGAAAATCACCGAGGGCGA[C>T]CTGTGGATCCGCACGTACGGCCGCCTCTTCCAGAAGCTCTGCTCCTCCAGCGCCGAGATC-3'
Protein context (NP_065873.2, residues 1006-1026): YLCAMKITEG[Asp1016=]LWIRTYGRLF

ClinVar aggregate classification (germline): Likely benign. Review status: criteria provided, multiple submitters, no conflicts (2 of 4 stars). 5 submissions from 4 submitters: Likely benign (5). Last evaluated 2025-03-29.

Conditions:
Developmental and epileptic encephalopathy, 14 (DEE14). Also called: Early infantile epileptic encephalopathy 14. Identifiers: Orphanet 293181, MedGen C3554195, MONDO:0013989, OMIM 614959.
Autosomal dominant nocturnal frontal lobe epilepsy 5. Also called: KCNT1-Related Epilepsy; CILIARY DYSKINESIA, PRIMARY, 28, WITHOUT SITUS INVERSUS; CILIARY DYSKINESIA, PRIMARY, 28, WITH SITUS INVERSUS; Epilepsy, nocturnal frontal lobe, 5. Identifiers: Orphanet 98784, MedGen C3554306, MONDO:0014002, OMIM 615005.

Allele frequency attached by ClinVar (database versions not stated): gnomAD exomes below 0.00001 and 0.00001; TOPMed below 0.00001; ExAC 0.00001; gnomAD 0.00001.
gnomAD v4.1: 5 of 1,612,588 alleles (0.00031%); highest among the groups gnomAD compares: Non-Finnish European, 0.00042%; no homozygotes.

Submissions (5):

Labcorp Genetics (formerly Invitae), Labcorp
Classification: Likely benign for Autosomal dominant nocturnal frontal lobe epilepsy 5; Developmental and epileptic encephalopathy, 14. Last evaluated: 2025-03-29. Review status: criteria provided, single submitter. Criteria: Invitae Variant Classification Sherloc (09022015). Collection method: clinical testing. Allele origin: germline.

Blueprint Genetics
Classification: Likely benign. Last evaluated: 2022-12-02. Review status: criteria provided, single submitter. Criteria: ACMG Guidelines, 2015. Collection method: clinical testing. Allele origin: germline.

Genome-Nilou Lab
Classification: Likely benign for Developmental and epileptic encephalopathy, 14. Last evaluated: 2022-03-15. Review status: criteria provided, single submitter. Criteria: ACMG Guidelines, 2015. Collection method: clinical testing. Allele origin: germline. Affected: no.

Genome-Nilou Lab
Classification: Likely benign for Autosomal dominant nocturnal frontal lobe epilepsy 5. Last evaluated: 2022-03-15. Review status: criteria provided, single submitter. Criteria: ACMG Guidelines, 2015. Collection method: clinical testing. Allele origin: germline. Affected: no.

GeneDx
Classification: Likely benign. Last evaluated: 2016-03-16. Review status: criteria provided, single submitter. Criteria: GeneDx Variant Classification (06012015). Collection method: clinical testing. Allele origin: germline. Affected: yes.
Comment: This variant is considered likely benign or benign based on one or more of the following criteria: it is a conservative change, it occurs at a poorly conserved position in the protein, it is predicted to be benign by multiple in silico algorithms, and/or has population frequency not consistent with disease.